The following is an entry in ClinVar:

ClinVar aggregate classification (germline): Conflicting classifications of pathogenicity. Review status: criteria provided, conflicting classifications (1 of 4 stars). 26 submissions from 22 submitters: Uncertain significance (11); Benign (2); Likely benign (8). 5 of the submissions do not count toward it. Last evaluated 2026-08-01.

Conditions:
TTN-related disorder. Also called: TTN-related disorders; TTN-related condition; TTN-related disease.
Cardiovascular phenotype. Identifiers: MedGen CN230736.
Autosomal recessive limb-girdle muscular dystrophy type 2J (LGMDR10). Also called: Limb-girdle muscular dystrophy, type 2J; MUSCULAR DYSTROPHY, LIMB-GIRDLE, AUTOSOMAL RECESSIVE 10. Identifiers: Orphanet 140922, MedGen C1837342, MONDO:0012127, OMIM 608807.
Dilated cardiomyopathy 1G (CMD1G). Identifiers: Orphanet 154, MedGen C1858763, MONDO:0011400, OMIM 604145.
Cardiomyopathy (CMYO). Also called: Cardiomyopathies. Identifiers: Orphanet 167848, MedGen C0878544, MONDO:0004994, HP:0001638. Inheritance: Various modes of inheritance.
Early-onset myopathy with fatal cardiomyopathy (CMYO5). Also called: Salih Myopathy; CONGENITAL MYOPATHY 5 WITH CARDIOMYOPATHY. Identifiers: Orphanet 289377, MedGen C2673677, MONDO:0012714, OMIM 611705. Disease mechanism: loss of function.
Tibial muscular dystrophy (TMD). Also called: Udd Distal Myopathy – Tibial Muscular Dystrophy; UDD MYOPATHY; Tibial muscular dystrophy, tardive. Identifiers: Orphanet 609, MedGen C1838244, MONDO:0010870, OMIM 600334.
Myopathy. Identifiers: MedGen C0026848, MeSH D009135, MONDO:0005336, HP:0003198.
Myopathy, myofibrillar, 9, with early respiratory failure (MFM9). Also called: Myopathy, distal, with early respiratory failure, autosomal dominant; EDSTROM MYOPATHY; MYOPATHY, PROXIMAL, WITH EARLY RESPIRATORY MUSCLE INVOLVEMENT; Hereditary myopathy with early respiratory failure. Identifiers: Orphanet 178464, Orphanet 34521, MedGen C1863599, MONDO:0011362, OMIM 603689.

Allele frequency attached by ClinVar (database versions not stated): ESP Exome Variant Server 0.00024; 1000 Genomes Project 30x 0.00031; ExAC 0.00033; gnomAD exomes 0.00035; TOPMed 0.00039; 1000 Genomes Project 0.00040; gnomAD 0.00041 and 0.00043.
gnomAD v4.1: 1,027 of 1,613,258 alleles (0.064%); highest among the groups gnomAD compares: Non-Finnish European, 0.083%; 2 homozygotes.

Submissions 1 to 14 of 26:

CeGaT Center for Human Genetics Tuebingen
Classification: Likely benign. Last evaluated: 2026-08-01. Review status: criteria provided, single submitter. Criteria: CeGaT Center For Human Genetics Tuebingen Variant Classification Criteria Version 2. Collection method: clinical testing. Allele origin: germline. Affected: yes. Observed: 6 variant alleles.
Comment: TTN: BS1

Mayo Clinic Laboratories, Mayo Clinic
Classification: Uncertain significance. Last evaluated: 2025-12-10. Review status: criteria provided, single submitter. Criteria: ACMG Guidelines, 2015. Collection method: clinical testing. Allele origin: germline. Observed: 6 variant alleles.
Comment: BP4_moderate

PreventionGenetics, part of Exact Sciences
Classification: Likely benign for TTN-related condition. Last evaluated: 2025-04-23. Review status: criteria provided, single submitter. Criteria: ACMG Guidelines, 2015. Collection method: clinical testing. Allele origin: germline.
Comment: This variant is classified as likely benign based on ACMG/AMP sequence variant interpretation guidelines (Richards et al. 2015 PMID: 25741868, with internal and published modifications).

Molecular Diagnostic Laboratory for Inherited Cardiovascular Disease, Montreal Heart Institute
Classification: Likely benign. Last evaluated: 2025-04-09. Review status: criteria provided, single submitter. Criteria: ACMG Guidelines, 2015. Collection method: clinical testing. Allele origin: germline. Affected: no.
Comment: BS1;BP7

Blueprint Genetics
Classification: Likely benign. Last evaluated: 2024-11-18. Review status: criteria provided, single submitter. Criteria: ACMG Guidelines, 2015. Collection method: clinical testing. Allele origin: germline.

ARUP Laboratories, Molecular Genetics and Genomics, ARUP Laboratories
Classification: Uncertain significance. Last evaluated: 2023-12-19. Review status: criteria provided, single submitter. Criteria: ARUP Molecular Germline Variant Investigation Process 2024. Collection method: clinical testing. Allele origin: germline.
Comment: The TTN c.41521G>A; p.Asp13841Asn variant (rs201257644; ClinVar Variation ID: 191971) is rare in the general population (<0.2% allele frequency in the Genome Aggregation Database) and has not been reported in the medical literature in association with dilated cardiomyopathy (DCM) or other TTN-related disease. The clinical relevance of rare missense variants in this gene, which are identified on average once per individual sequenced in affected populations (Herman 2012), is not well understood. Yet, evidence suggests that the vast majority of such missense variants do not contribute to the clinical outcome of DCM (Begay 2015). Thus, the clinical significance of the p.Asp13841Asn variant cannot be determined with certainty.

Women's Health and Genetics/Laboratory Corporation of America, LabCorp
Classification: Likely benign. Last evaluated: 2023-11-15. Review status: criteria provided, single submitter. Criteria: LabCorp Variant Classification Summary - May 2015. Collection method: clinical testing. Allele origin: germline.
Comment: Variant summary: TTN c.33817G>A (p.Asp11273Asn) results in a conservative amino acid change located in the I-band region of the encoded protein sequence. Four of five in-silico tools predict a benign effect of the variant on protein function. The variant allele was found at a frequency of 0.00064 in 1613258 control chromosomes in the gnomAD database, including 2 homozygotes. The observed variant frequency is approximately 2 fold of the estimated maximal expected allele frequency for a pathogenic variant in TTN causing Dilated Cardiomyopathy phenotype (0.00039), strongly suggesting that the variant is benign. c.33817G>A has been reported in the literature in a stillbirth case, in a limb-girdle muscular dystrophy case and in individual(s) affected with inherited cardiomyopathies (Savarese_2014, Ghani_2019, Sahlin_2019) but it was also detected as a secondary finding in a cohort of participants not selected for arrhythmia, cardiomyopathy, or a family history of sudden death (Ng_2013). These reports do not provide unequivocal conclusions about association of the variant with Dilated Cardiomyopathy. To our knowledge, no experimental evidence demonstrating an impact on protein function has been reported. Ten submitters have cited clinical-significance assessments for this variant to ClinVar after 2014 and classified as VUS (n=7) and likely benign (n=3). Based on the evidence outlined above, the variant was classified as likely benign.

Revvity Omics, Revvity
Classification: Likely benign. Last evaluated: 2023-11-07. Review status: criteria provided, single submitter. Criteria: ACMG Guidelines, 2015. Collection method: clinical testing. Allele origin: germline.

CHEO Genetics Diagnostic Laboratory, Children's Hospital of Eastern Ontario
Classification: Likely benign for Cardiomyopathy. Last evaluated: 2021-06-09. Review status: criteria provided, single submitter. Criteria: ACMG Guidelines, 2015. Collection method: clinical testing. Allele origin: germline.

GeneDx
Classification: Likely benign. Last evaluated: 2020-11-05. Review status: criteria provided, single submitter. Criteria: GeneDx Variant Classification Process June 2021. Collection method: clinical testing. Allele origin: germline. Affected: yes.

Ambry Genetics
Classification: Uncertain significance for Cardiovascular phenotype. Last evaluated: 2018-11-02. Review status: criteria provided, single submitter. Criteria: Ambry Variant Classification Scheme 2023. Collection method: clinical testing. Allele origin: germline.
Comment: The p.D4776N variant (also known as c.14326G>A), located in coding exon 53 of the TTN gene, results from a G to A substitution at nucleotide position 14326. The aspartic acid at codon 4776 is replaced by asparagine, an amino acid with highly similar properties. This amino acid position is well conserved in available vertebrate species; however, asparagine is the reference amino acid in other vertebrate species. In addition, this alteration is predicted to be tolerated by in silico analysis. Since supporting evidence is limited at this time, the clinical significance of this alteration remains unclear.

Illumina Laboratory Services, Illumina
Classification: Benign for Myopathy, myofibrillar, 9, with early respiratory failure. Last evaluated: 2018-01-12. Review status: criteria provided, single submitter. Criteria: ICSL Variant Classification Criteria 13 December 2019. Collection method: clinical testing. Allele origin: germline.
Comment: This variant was observed in the ICSL laboratory as part of a predisposition screen in an ostensibly healthy population. It had not been previously curated by ICSL or reported in the Human Gene Mutation Database (HGMD: prior to June 1st, 2018), and was therefore a candidate for classification through an automated scoring system. Utilizing variant allele frequency, disease prevalence and penetrance estimates, and inheritance mode, an automated score was calculated to assess if this variant is too frequent to cause the disease. Based on the score and internal cut-off values, a variant classified as benign is not then subjected to further curation. The score for this variant resulted in a classification of benign for this disease.

Illumina Laboratory Services, Illumina
Classification: Uncertain significance for Dilated cardiomyopathy 1G. Last evaluated: 2018-01-12. Review status: criteria provided, single submitter. Criteria: ICSL Variant Classification Criteria 13 December 2019. Collection method: clinical testing. Allele origin: germline.

Illumina Laboratory Services, Illumina
Classification: Benign for Tibial muscular dystrophy. Last evaluated: 2018-01-12. Review status: criteria provided, single submitter. Criteria: ICSL Variant Classification Criteria 13 December 2019. Collection method: clinical testing. Allele origin: germline.
Comment: the same text as in the submission from Illumina Laboratory Services, Illumina above.

NM_001267550.2(TTN):c.41521G>A (p.Asp13841Asn)

Gene: TTN (titin; minus strand). Cytogenetic location: 2q31.2.
Variant type: single nucleotide variant.
Coding change: c.41521G>A on transcript NM_001267550.2 (MANE Select); coding-DNA position 41521, G replaced by A.
Protein change: p.Asp13841Asn; replaces aspartic acid 13841 with asparagine.
Molecular consequence: missense variant.
Genome position (GRCh38, 1-based): chr2:178,636,050, C>T on the plus strand (G>A on the coding strand, the complement: TTN is on the minus strand). VCF-style: chr2-178636050-C-T. GRCh37 (hg19) VCF-style: chr2-179500777-C-T.
Other names: p.D12200N:GAT>AAT; c.36598G>A, p.Asp12200Asn (NM_001256850.1); c.33817G>A, p.Asp11273Asn (NM_133378.4); c.14326G>A, p.Asp4776Asn (NM_003319.4); c.14701G>A, p.Asp4901Asn (NM_133432.3); c.14902G>A, p.Asp4968Asn (NM_133437.4); short protein forms D11273N, D13841N, D12200N, D4776N, D4901N, D4968N.
Identifiers: ClinVar variation 191971 (VCV000191971.71), dbSNP rs201257644, ClinGen allele CA302489.
Genomic context (GRCh38, chr2:178,636,050, plus strand): 5'-CCAGGTTGTTGGCGTTTTCCACAGTAACTGTGTATGTTCCAGCATCTGTGTCATCTGCAT[C>T]GTTGATGGTCAGAGCCCGCATCAAGCCAATGACGCCTGGCACAATTCGGCCAGGTTTCTC-3'
Protein context (NP_001254479.2, residues 13831-13851): IGLMRALTIN[Asp13841Asn]ADDTDAGTYT